The following is an entry in ClinVar:

NM_000875.5(IGF1R):c.1684G>A (p.Val562Met)

Gene: IGF1R (insulin like growth factor 1 receptor; plus strand). Cytogenetic location: 15q26.3.
Variant type: single nucleotide variant.
Coding change: c.1684G>A on transcript NM_000875.5 (MANE Select); coding-DNA position 1684, G replaced by A.
Protein change: p.Val562Met; replaces valine 562 with methionine.
Molecular consequence: missense variant.
Genome position (GRCh38, 1-based): chr15:98,913,138, G>A. VCF-style: chr15-98913138-G-A. GRCh37 (hg19) VCF-style: chr15-99456367-G-A.
Other names: c.1684G>A, p.Val562Met (NM_001291858.2); short protein forms V562M.
Identifiers: ClinVar variation 4803626 (VCV004803626.1).
Genomic context (GRCh38, chr15:98,913,138, plus strand): 5'-GATGCCTGCGGCTCCAACAGCTGGAACATGGTGGACGTGGACCTCCCGCCCAACAAGGAC[G>A]TGGAGCCCGGCATCTTACTACATGGGCTGAAGCCCTGGACTCAGTACGCCGTTTACGTCA-3'
Protein context (NP_000866.1, residues 552-572): VDVDLPPNKD[Val562Met]EPGILLHGLK

ClinVar aggregate classification (germline): Uncertain significance (1 of 4 stars; one submission).

gnomAD v4.1: 20 of 1,614,112 alleles (0.0012%); highest among the groups gnomAD compares: African/African-American, 0.0053%; no homozygotes.

Submission:

Labcorp Genetics (formerly Invitae), Labcorp
Classification: Uncertain significance. Last evaluated: 2025-07-30. Review status: criteria provided, single submitter. Criteria: Invitae Variant Classification Sherloc (09022015). Collection method: clinical testing. Allele origin: germline.
Comment: This sequence change replaces valine, which is neutral and non-polar, with methionine, which is neutral and non-polar, at codon 562 of the IGF1R protein (p.Val562Met). This variant is present in population databases (rs765660217, gnomAD 0.008%). This variant has not been reported in the literature in individuals affected with IGF1R-related conditions. Invitae Evidence Modeling of protein sequence and biophysical properties (such as structural, functional, and spatial information, amino acid conservation, physicochemical variation, residue mobility, and thermodynamic stability) indicates that this missense variant is not expected to disrupt IGF1R protein function with a negative predictive value of 80%. In summary, the available evidence is currently insufficient to determine the role of this variant in disease. Therefore, it has been classified as a Variant of Uncertain Significance.